The following is an entry in ClinVar:

NM_012199.5(AGO1):c.164A>G (p.Tyr55Cys)

Gene: AGO1 (argonaute RISC component 1; plus strand). Cytogenetic location: 1p34.3.
Variant type: single nucleotide variant.
Coding change: c.164A>G on transcript NM_012199.5 (MANE Select); coding-DNA position 164, A replaced by G.
Protein change: p.Tyr55Cys; replaces tyrosine 55 with cysteine.
Molecular consequence: missense variant. On other transcripts: 5 prime UTR variant (1).
Genome position (GRCh38, 1-based): chr1:35,888,565, A>G. VCF-style: chr1-35888565-A-G. GRCh37 (hg19) VCF-style: chr1-36354166-A-G.
Other names: c.164A>G, p.Tyr55Cys (NM_001317122.2); c.-62A>G (NM_001317123.2); short protein forms Y55C.
Identifiers: ClinVar variation 5009660 (VCV005009660.1).

ClinVar aggregate classification (germline): Uncertain significance (1 of 4 stars; one submission).

Submission:

GeneDx
Classification: Uncertain significance. Last evaluated: 2026-02-26. Review status: criteria provided, single submitter. Criteria: GeneDx Variant Classification Process June 2021. Collection method: clinical testing. Allele origin: germline.
Comment: Not observed at significant frequency in large population cohorts (gnomAD); In silico analysis supports that this missense variant has a deleterious effect on protein structure/function; Has not been previously published as pathogenic or benign to our knowledge